The following is an entry in ClinVar:

NM_001080517.3(SETD5):c.1507C>G (p.Leu503Val)

Gene: SETD5 (SET domain containing 5; plus strand). Cytogenetic location: 3p25.3.
Variant type: single nucleotide variant.
Coding change: c.1507C>G on transcript NM_001080517.3 (MANE Select); coding-DNA position 1507, C replaced by G.
Protein change: p.Leu503Val; replaces leucine 503 with valine.
Molecular consequence: missense variant.
Genome position (GRCh38, 1-based): chr3:9,445,723, C>G. VCF-style: chr3-9445723-C-G. GRCh37 (hg19) VCF-style: chr3-9487407-C-G.
Other names: c.1213C>G, p.Leu405Val (NM_001292043.2, NM_001349451.2); short protein forms L405V, L503V.
Identifiers: ClinVar variation 1691172 (VCV001691172.3), dbSNP rs1316499979, ClinGen allele CA351694200.

ClinVar aggregate classification (germline): Uncertain significance (1 of 4 stars; one submission).

Allele frequency attached by ClinVar (database versions not stated): TOPMed below 0.00001.
gnomAD v4.1: 2 of 1,613,014 alleles (0.00012%); highest among the groups gnomAD compares: Non-Finnish European, 0.000085%; no homozygotes.

Submission:

GeneDx
Classification: Uncertain significance. Last evaluated: 2025-01-29. Review status: criteria provided, single submitter. Criteria: GeneDx Variant Classification Process June 2021. Collection method: clinical testing. Allele origin: germline. Affected: yes.
Comment: Not observed at significant frequency in large population cohorts (gnomAD); In silico analysis indicates that this missense variant does not alter protein structure/function; Has not been previously published as pathogenic or benign to our knowledge